The following is an entry in ClinVar:

NM_031407.7(HUWE1):c.9718A>T (p.Ile3240Phe)

Gene: HUWE1 (HECT, UBA and WWE domain containing E3 ubiquitin protein ligase 1; minus strand). Cytogenetic location: Xp11.22.
Variant type: single nucleotide variant.
Coding change: c.9718A>T on transcript NM_031407.7 (MANE Select); coding-DNA position 9718, A replaced by T.
Protein change: p.Ile3240Phe; replaces isoleucine 3240 with phenylalanine.
Molecular consequence: missense variant.
Genome position (GRCh38, 1-based): chrX:53,549,276, T>A on the plus strand (A>T on the coding strand, the complement: HUWE1 is on the minus strand). VCF-style: chrX-53549276-T-A. GRCh37 (hg19) VCF-style: chrX-53576237-T-A.
Other names: c.9715A>T, p.Ile3239Phe (NM_001441048.1, NM_001441051.1, NM_001441053.1 and 2 more transcripts); c.9718A>T, p.Ile3240Phe (NM_001441049.1, NM_001441054.1, NM_001441057.1); c.9739A>T, p.Ile3247Phe (NM_001441050.1, NM_001441055.1); c.9316A>T, p.Ile3106Phe (NM_001441052.1); short protein forms I3106F, I3239F, I3240F, I3247F.
Identifiers: ClinVar variation 4687360 (VCV004687360.1).
Genomic context (GRCh38, chrX:53,549,276, plus strand): 5'-CACAGCTCTTGCTCGACTTTTTGCCCTTTTCCTCACTTGTAGTGAGTTTGGGTGTTTCAA[T>A]GCATAGCTCACTCTCACTGCTGCGCTGCAAGATGGAGAGCAGACTGCGGATGACCCAGTG-3'
Protein context (NP_113584.3, residues 3230-3250): LQRSSESELC[Ile3240Phe]ETPKLTTSEE

ClinVar aggregate classification (germline): Uncertain significance (1 of 4 stars; one submission).

Submission:

Women's Health and Genetics/Laboratory Corporation of America, LabCorp
Classification: Uncertain significance. Last evaluated: 2025-10-10. Review status: criteria provided, single submitter. Criteria: LabCorp Variant Classification Summary - May 2015. Collection method: clinical testing. Allele origin: germline.
Comment: Variant summary: HUWE1 c.9718A>T (p.Ile3240Phe) results in a non-conservative amino acid change in the encoded protein sequence. Algorithms developed to predict the effect of missense changes on protein structure and function are either unavailable or do not agree on the potential impact of this missense change. The variant was absent in 183339 control chromosomes. The available data on variant occurrences in the general population are insufficient to allow any conclusion about variant significance. To our knowledge, no occurrence of c.9718A>T in individuals affected with HUWE1-related conditions and no experimental evidence demonstrating its impact on protein function have been reported. No submitters have cited clinical-significance assessments for this variant to ClinVar. Based on the evidence outlined above, the variant was classified as uncertain significance.